The following is an entry in ClinVar:

NM_001478.5(B4GALNT1):c.218+3G>A

Gene: B4GALNT1 (beta-1,4-N-acetyl-galactosaminyltransferase 1; minus strand). Cytogenetic location: 12q13.3.
Variant type: single nucleotide variant.
Coding change: c.218+3G>A on transcript NM_001478.5 (MANE Select); 3 bases into the intron after coding-DNA position 218, G replaced by A.
Molecular consequence: intron variant.
Genome position (GRCh38, 1-based): chr12:57,631,912, C>T on the plus strand (G>A on the coding strand, the complement: B4GALNT1 is on the minus strand). VCF-style: chr12-57631912-C-T. GRCh37 (hg19) VCF-style: chr12-58025695-C-T.
Other names: c.218+3G>A (NM_001276468.2, NM_001276469.2).
Identifiers: ClinVar variation 527973 (VCV000527973.7), dbSNP rs534200134, ClinGen allele CA6655863.

ClinVar aggregate classification (germline): Uncertain significance (1 of 4 stars; one submission).

Conditions:
Spastic paraplegia. Identifiers: MedGen C0037772, HP:0001258.

Allele frequency attached by ClinVar (database versions not stated): gnomAD 0.00003 and 0.00004; gnomAD exomes 0.00003; TOPMed 0.00004; ExAC 0.00030; 1000 Genomes Project 30x 0.00031; 1000 Genomes Project 0.00040.
gnomAD v4.1: 11 of 1,402,800 alleles (0.00078%); highest among the groups gnomAD compares: African/African-American, 0.009%; no homozygotes.

Submission:

Labcorp Genetics (formerly Invitae), Labcorp
Classification: Uncertain significance for Spastic paraplegia. Last evaluated: 2024-02-24. Review status: criteria provided, single submitter. Criteria: Invitae Variant Classification Sherloc (09022015). Collection method: clinical testing. Allele origin: germline.
Comment: This sequence change falls in intron 2 of the B4GALNT1 gene. It does not directly change the encoded amino acid sequence of the B4GALNT1 protein. It affects a nucleotide within the consensus splice site. This variant is present in population databases (rs534200134, gnomAD 0.05%). This variant has not been reported in the literature in individuals affected with B4GALNT1-related conditions. ClinVar contains an entry for this variant (Variation ID: 527973). Variants that disrupt the consensus splice site are a relatively common cause of aberrant splicing (PMID: 17576681, 9536098). Algorithms developed to predict the effect of sequence changes on RNA splicing suggest that this variant is not likely to affect RNA splicing. In summary, the available evidence is currently insufficient to determine the role of this variant in disease. Therefore, it has been classified as a Variant of Uncertain Significance.

Literature cited by the submitters: PubMed 17576681; PubMed 9536098.